The following is an entry in ClinVar:

NM_001099271.2(POC5):c.1059A>C (p.Lys353Asn)

Gene: POC5 (POC5 centriolar protein; minus strand). Cytogenetic location: 5q13.3.
Variant type: single nucleotide variant.
Coding change: c.1059A>C on transcript NM_001099271.2 (MANE Select); coding-DNA position 1059, A replaced by C.
Protein change: p.Lys353Asn; replaces lysine 353 with asparagine.
Molecular consequence: missense variant.
Genome position (GRCh38, 1-based): chr5:75,689,082, T>G on the plus strand (A>C on the coding strand, the complement: POC5 is on the minus strand). VCF-style: chr5-75689082-T-G. GRCh37 (hg19) VCF-style: chr5-74984907-T-G.
Other names: c.984A>C, p.Lys328Asn (NM_152408.3); short protein forms K328N, K353N.
Identifiers: ClinVar variation 4703756 (VCV004703756.1).
Genomic context (GRCh38, chr5:75,689,082, plus strand): 5'-TCTGTTTTGAAATATAGTCATGGCTTCAAGATTTAATGCACATACACCCCTCATGAAAGC[T>G]TTTTTCATGGAATCTTCAAAGTGCTCTTTTTCATGTTGCATTCTTTGAATCTCAGCTTTT-3'
Protein context (NP_001092741.1, residues 343-363): EKEHFEDSMK[Lys353Asn]AFMRGVCALN

ClinVar aggregate classification (germline): Uncertain significance (1 of 4 stars; one submission).

Submission:

Labcorp Genetics (formerly Invitae), Labcorp
Classification: Uncertain significance. Last evaluated: 2025-02-13. Review status: criteria provided, single submitter. Criteria: Invitae Variant Classification Sherloc (09022015). Collection method: clinical testing. Allele origin: germline.
Comment: This sequence change replaces lysine, which is basic and polar, with asparagine, which is neutral and polar, at codon 353 of the POC5 protein (p.Lys353Asn). This variant is present in population databases (no rsID available, gnomAD 0.003%). This variant has not been reported in the literature in individuals affected with POC5-related conditions. An algorithm developed to predict the effect of missense changes on protein structure and function (PolyPhen-2) suggests that this variant is likely to be disruptive. In summary, the available evidence is currently insufficient to determine the role of this variant in disease. Therefore, it has been classified as a Variant of Uncertain Significance.